The following is an entry in ClinVar:

ClinVar aggregate classification (germline): Uncertain significance (1 of 4 stars; one submission).

Conditions:
Spastic paraplegia. Identifiers: MedGen C0037772, HP:0001258.

gnomAD v4.1: 1 of 1,534,974 alleles (0.000065%); no homozygotes.

Submission:

Labcorp Genetics (formerly Invitae), Labcorp
Classification: Uncertain significance for Spastic paraplegia. Last evaluated: 2024-03-31. Review status: criteria provided, single submitter. Criteria: Invitae Variant Classification Sherloc (09022015). Collection method: clinical testing. Allele origin: germline.
Comment: This sequence change replaces cysteine, which is neutral and slightly polar, with serine, which is neutral and polar, at codon 178 of the GJC2 protein (p.Cys178Ser). This variant is present in population databases (no rsID available, gnomAD 0.004%). This variant has not been reported in the literature in individuals affected with GJC2-related conditions. Advanced modeling of protein sequence and biophysical properties (such as structural, functional, and spatial information, amino acid conservation, physicochemical variation, residue mobility, and thermodynamic stability) has been performed at Invitae for this missense variant, however the output from this modeling did not meet the statistical confidence thresholds required to predict the impact of this variant on GJC2 protein function. In summary, the available evidence is currently insufficient to determine the role of this variant in disease. Therefore, it has been classified as a Variant of Uncertain Significance.

NM_020435.4(GJC2):c.532T>A (p.Cys178Ser)

Gene: GJC2 (gap junction protein gamma 2; plus strand). Cytogenetic location: 1q42.13.
Variant type: single nucleotide variant.
Coding change: c.532T>A on transcript NM_020435.4 (MANE Select); coding-DNA position 532, T replaced by A.
Protein change: p.Cys178Ser; replaces cysteine 178 with serine.
Molecular consequence: missense variant.
Genome position (GRCh38, 1-based): chr1:228,158,290, T>A. VCF-style: chr1-228158290-T-A. GRCh37 (hg19) VCF-style: chr1-228345991-T-A.
Other names: short protein forms C178S.
Identifiers: ClinVar variation 3621658 (VCV003621658.2).